The following is an entry in ClinVar:

ClinVar aggregate classification (germline): Pathogenic. Review status: reviewed by expert panel (3 of 4 stars). 49 submissions from 49 submitters: Pathogenic (1). 48 of the submissions do not count toward it. Last evaluated 2019-06-18.
ClinVar aggregate classification (oncogenicity): Oncogenic (1 of 4 stars; one submission).

Conditions:
Inherited breast cancer and ovarian cancer.
BRCA2-related cancer predisposition. Identifiers: MedGen CN377758, MONDO:0700269.
BRCA2-related disorder. Also called: BRCA2-related condition; BRCA2-related disorders. Identifiers: MedGen CN239275.
Glioma susceptibility 3 (GLM3). Also called: Glioblastoma 3. Identifiers: Orphanet 182067, Orphanet 360, MedGen C2751641, MONDO:0013093, OMIM 613029.
Pancreatic cancer, susceptibility to, 2. Identifiers: Orphanet 1333, MedGen C3150546, MONDO:0013235, OMIM 613347.
Medulloblastoma (MDB). Also called: Medulloblastoma, somatic; MEDULLOBLASTOMA PREDISPOSITION SYNDROME. Identifiers: Orphanet 616, MedGen C0025149, MeSH D008527, MONDO:0007959, OMIM 155255, HP:0002885.
Fanconi anemia complementation group D1. Also called: BRCA2-Related Fanconi Anemia. Identifiers: Orphanet 319462, MedGen C1838457, MONDO:0011584, OMIM 605724.
Breast-ovarian cancer, familial, susceptibility to, 2 (BROVCA2). Also called: BRCA2 Hereditary Breast and Ovarian Cancer. Identifiers: Orphanet 145, MedGen C2675520, MONDO:0012933, OMIM 612555. Disease mechanism: loss of function.
Familial cancer of breast. Also called: Hereditary breast cancer; hereditary breast carcinoma; BREAST CANCER, FAMILIAL. Identifiers: Orphanet 227535, MedGen C0346153, MONDO:0016419, OMIM 114480. Disease mechanism: loss of function.
Prostate cancer. Also called: Malignant tumor of prostate. Identifiers: Orphanet 1331, MedGen C0376358, MONDO:0008315, HP:0012125.
Wilms tumor 1 (WT1). Also called: Wilms tumor, somatic. Identifiers: Orphanet 654, MedGen CN033288, MONDO:0008679, OMIM 194070.
Hereditary cancer-predisposing syndrome. Also called: Neoplastic Syndromes, Hereditary; Tumor predisposition; Hereditary Cancer Syndrome; Hereditary neoplastic syndrome. Identifiers: Orphanet 140162, MedGen C0027672, MeSH D009386, MONDO:0015356.
Breast and/or ovarian cancer. Identifiers: MedGen CN221562.
Familial prostate cancer. Also called: Hereditary Prostate Cancer. Identifiers: MedGen C2931456, MONDO:0700275, OMIM 176807.
Hereditary breast ovarian cancer syndrome. Also called: Hereditary breast and ovarian cancer; Breast and ovarian cancer; Hereditary breast and/or ovarian cancer syndrome; BRCA1- and BRCA2-Associated Hereditary Breast and Ovarian Cancer; Hereditary breast and ovarian cancer syndrome; Hereditary breast and ovarian cancer syndrome (HBOC). Identifiers: Orphanet 145, MedGen C0677776, MeSH D061325, MONDO:0003582. Disease mechanism: loss of function.
Neoplasm. Also called: Neoplasms; Neoplasm (disease); tumor. Identifiers: MedGen C0027651, MeSH D009369, MONDO:0005070, HP:0002664.

Allele frequency attached by ClinVar (database versions not stated): TOPMed 0.00001.
gnomAD v4.1: 9 of 1,602,852 alleles (0.00056%); highest among the groups gnomAD compares: South Asian, 0.0011%; no homozygotes.

Submissions 1 to 8 of 50:

Evidence-based Network for the Interpretation of Germline Mutant Alleles (ENIGMA)
Classification: Pathogenic for Breast-ovarian cancer, familial, susceptibility to, 2. Last evaluated: 2019-06-18. Review status: reviewed by expert panel. Criteria: ENIGMA BRCA1/2 Classification Criteria (2017-06-29). Collection method: curation. Allele origin: germline.
Comment: IARC class based on posterior probability from multifactorial likelihood analysis, thresholds for class as per Plon et al. 2008 (PMID: 18951446). Class 5 based on posterior probability = 0.999037

Hema, HEMA – Genetic and Molecular Diagnostic Laboratory
Classification: Pathogenic for BRCA2-related cancer predisposition. Last evaluated: 2026-09-14. Review status: criteria provided, single submitter. Criteria: HEMA Variant Classification Assertion Criteria. Collection method: clinical testing. Allele origin: germline. Not counted in ClinVar's aggregate classification.
Comment: The variant c.7007G>A (p.Arg2336His) is a transition from guanine to adenine in the last base of exon 13 of the BRCA2 gene. PM2_Supporting: Absent in gnomAD non-cancer. PM3_Strong: The variant has been reported in five individuals with Fanconi Anemia, both in the homozygous state and in heterozygosity with other pathogenic variants in BRCA2 (PMID: 12065746, 21548014, 26968956, 36089892). PP1_Strong: The variant cosegregated with breast/ovarian cancer with a segregation likelihood ratio (LR) = 48.56 ≥ 18.7 (PMID: 31131967). PP3: According to the splicing predictor SpliceAI, the variant affects splicing (loss of acceptor score = 0.34 ≥ 0.2 and loss of donor score = 0.28 ≥ 0.2). PP4_Strong: The multifactorial likelihood ratio analysis using clinically calibrated data produced a combined LR for this variant of 50.0118 ≥ 18.7 (based on co-occurrence LR = 2.46 and family history LR = 20.33) (PMID: 31131967).

German Consortium for Hereditary Breast and Ovarian Cancer, University Hospital Cologne
Classification: Pathogenic for Hereditary breast ovarian cancer syndrome. Last evaluated: 2026-06-09. Review status: criteria provided, single submitter. Criteria: ClinGen BRCA2 1.2.0. Collection method: curation. Allele origin: germline. Not counted in ClinVar's aggregate classification.
Comment: This classification follows the ClinGen ENIGMA BRCA2 v1.2.0 classification scheme; We chose these criteria: PM2 (supporting pathogenic): absent from gnomAD v.2/3 non-cancer, PM3 (strong pathogenic): reported in at least 5 patients with FA in 3 publications (2 patiens homozygous): Ghazwani et al. Cancer Genet. 2016 (PMID 26968956), Degrolard-Courcet et al. Eu J Hum Genet 2014 (PMID 24301060), Howlett et al. Science 2002 (PMID 12065746), PP4 (very strong pathogenic): Combined LR Score 42405.85737 (UCSC browser)

Institute of Human Genetics, University of Leipzig Medical Center
Classification: Pathogenic for Familial cancer of breast. Last evaluated: 2026-05-26. Review status: criteria provided, single submitter. Criteria: ACMG Guidelines, 2015. Collection method: clinical testing. Allele origin: unknown. Inheritance: Autosomal dominant inheritance. Affected: yes. Not counted in ClinVar's aggregate classification.
Comment: Criteria applied: PP4_VSTR,PS3,PM3_STR,PM2_SUP

Dasa
Classification: Pathogenic for Breast-ovarian cancer, familial, susceptibility to, 2. Last evaluated: 2026-03-11. Review status: criteria provided, single submitter. Criteria: DASA Assertion Criteria. Collection method: clinical testing. Allele origin: germline. Not counted in ClinVar's aggregate classification.
Comment: NM_000059.4(BRCA2):c.7007G>A (p.Arg2336His) is a missense variant that results in the substitution of arginine with histidine. This variant has been observed in affected individuals with Breast-ovarian cancer, familial, susceptibility to, 2 in a genotype context consistent with recessive disease (PMID: 18951446; PMID: 31131967; PMID: 21548016; PMID: 26968956; PMID: 18489799). Functional evidence supports a deleterious effect on the gene or gene product (PMID: 18951446; PMID: 31131967; PMID: 21548016; PMID: 26968956; PMID: 18489799). This variant has been recurrently observed in individuals with Breast-ovarian cancer, familial, susceptibility to, 2 (PMID: 18951446; PMID: 31131967; PMID: 21548016; PMID: 26968956; PMID: 18489799). Multiple computational predictions support a deleterious effect on the gene or gene product. The variant is present at low frequency in population datasets. Based on the available data, this variant is classified as pathogenic.

Genetics Laboratory, Great Ormond Street Hospital NHS Foundation Trust, North Thames Genomic Laboratory Hub
Classification: Pathogenic for Inherited breast cancer and ovarian cancer. Last evaluated: 2026-02-11. Review status: criteria provided, single submitter. Criteria: CanVIG BRCA Gene Specific V1.22. Collection method: clinical testing. Allele origin: germline. Affected: yes. Not counted in ClinVar's aggregate classification.
Comment: PS4_strong, PM2_supporting, PVS1_strong, PP4_strong

Center for Genomic Medicine, Rigshospitalet, Copenhagen University Hospital
Classification: Oncogenic for Neoplasm. Last evaluated: 2025-12-29. Review status: criteria provided, single submitter. Criteria: ClinGen/CGC/VICC Guidelines for Oncogenicity, 2022. Collection method: clinical testing. Allele origin: somatic. Affected: yes.

Labcorp Genetics (formerly Invitae), Labcorp
Classification: Pathogenic for Hereditary breast ovarian cancer syndrome. Last evaluated: 2025-12-21. Review status: criteria provided, single submitter. Criteria: Invitae Variant Classification Sherloc (09022015). Collection method: clinical testing. Allele origin: germline. Not counted in ClinVar's aggregate classification.
Comment: This sequence change replaces arginine, which is basic and polar, with histidine, which is basic and polar, at codon 2336 of the BRCA2 protein (p.Arg2336His). RNA analysis indicates that this missense change induces altered splicing and may result in an absent or altered protein product. This variant is not present in population databases (gnomAD no frequency). This missense change has been observed in individual(s) with breast and/or ovarian cancer, Fanconi anemia, and acute myelogenous leukemia (PMID: 12065746, 16115142, 22430266, 22486713, 25395318, 26968956). This variant is also known as 7235G>A. ClinVar contains an entry for this variant (Variation ID: 38077). Based on a multifactorial likelihood algorithm using genetic, in silico, and/or statistical data, this variant has been determined to have a high probability of being pathogenic (PMID: 27124784). Variants that disrupt the consensus splice site are a relatively common cause of aberrant splicing (PMID: 17576681, 9536098). Studies have shown that this missense change results in skipping of exons 12 and/or 13, and produces a non-functional protein and/or introduces a premature termination codon (PMID: 16792514, 20215541, 22505045; internal data). This variant disrupts the c.7007G nucleotide in the BRCA2 gene. Other variant(s) that disrupt this nucleotide have been determined to be pathogenic (PMID: 9150172, 9536098, 17576681, 20960228, 21548014, 22399190, 22505045). This suggests that this nucleotide is clinically significant, and that variants that disrupt this position are likely to be disease-causing. For these reasons, this variant has been classified as Pathogenic.

NM_000059.4(BRCA2):c.7007G>A (p.Arg2336His)

Gene: BRCA2 (BRCA2 DNA repair associated; plus strand). Cytogenetic location: 13q13.1.
Variant type: single nucleotide variant.
Coding change: c.7007G>A on transcript NM_000059.4 (MANE Select); coding-DNA position 7007, G replaced by A.
Protein change: p.Arg2336His; replaces arginine 2336 with histidine.
Molecular consequence: missense variant.
Genome position (GRCh38, 1-based): chr13:32,346,896, G>A. VCF-style: chr13-32346896-G-A. GRCh37 (hg19) VCF-style: chr13-32921033-G-A.
Other names: p.R2336H:CGC>CAC; 7235G>A; 7235G-A; short protein forms R2336H.
Identifiers: ClinVar variation 38077 (VCV000038077.101), dbSNP rs28897743, ClinGen allele CA024713.